The following is an entry in ClinVar:

ClinVar aggregate classification (germline): Uncertain significance. Review status: criteria provided, multiple submitters, no conflicts (2 of 4 stars). 3 submissions from 3 submitters: Uncertain significance (2). 1 of the submissions does not count toward it. Last evaluated 2022-10-03.

Conditions:
Decreased circulating carnitine concentration. Also called: Decreased plasma carnitine. Identifiers: MedGen C5848230, HP:0003234.
Renal carnitine transport defect (CDSP). Also called: Systemic primary carnitine deficiency disease; CARNITINE DEFICIENCY, SYSTEMIC, DUE TO DEFECT IN RENAL REABSORPTION OF CARNITINE; CARNITINE TRANSPORTER, PLASMA-MEMBRANE, DEFICIENCY OF; CARNITINE UPTAKE DEFECT; Carnitine transporter deficiency; Carnitine Deficiency, Systemic. Identifiers: Orphanet 158, MedGen C0342788, MONDO:0008919, OMIM 212140.

Allele frequency attached by ClinVar (database versions not stated): TOPMed 0.00001; gnomAD 0.00002.
gnomAD v4.1: 6 of 1,613,994 alleles (0.00037%); highest among the groups gnomAD compares: Non-Finnish European, 0.00051%; no homozygotes.

Submissions (3):

Giacomini Lab, University of California, San Francisco
Classification: Uncertain significance for Renal carnitine transport defect. Last evaluated: 2022-10-03. Review status: criteria provided, single submitter. Criteria: ACMG Guidelines, 2015. Collection method: research, in vitro. Allele origin: germline, not applicable.

Labcorp Genetics (formerly Invitae), Labcorp
Classification: Uncertain significance for Renal carnitine transport defect. Last evaluated: 2021-09-01. Review status: criteria provided, single submitter. Criteria: Invitae Variant Classification Sherloc (09022015). Collection method: clinical testing. Allele origin: germline.
Comment: This sequence change replaces isoleucine with phenylalanine at codon 285 of the SLC22A5 protein (p.Ile285Phe). The isoleucine residue is moderately conserved and there is a small physicochemical difference between isoleucine and phenylalanine. This variant is not present in population databases (ExAC no frequency). This variant has not been reported in the literature in individuals affected with SLC22A5-related conditions. Algorithms developed to predict the effect of missense changes on protein structure and function are either unavailable or do not agree on the potential impact of this missense change (SIFT: "Deleterious"; PolyPhen-2: "Benign"; Align-GVGD: "Class C0"). In summary, the available evidence is currently insufficient to determine the role of this variant in disease. Therefore, it has been classified as a Variant of Uncertain Significance.

Natera, Inc.
Classification: Uncertain significance for Carnitine deficiency. Last evaluated: 2021-01-07. Review status: no assertion criteria provided. Collection method: clinical testing. Allele origin: germline. Not counted in ClinVar's aggregate classification.

NM_003060.4(SLC22A5):c.853A>T (p.Ile285Phe)

Gene: SLC22A5 (solute carrier family 22 member 5; plus strand). Cytogenetic location: 5q31.1.
Variant type: single nucleotide variant.
Coding change: c.853A>T on transcript NM_003060.4 (MANE Select); coding-DNA position 853, A replaced by T.
Protein change: p.Ile285Phe; replaces isoleucine 285 with phenylalanine.
Molecular consequence: missense variant.
Genome position (GRCh38, 1-based): chr5:132,387,053, A>T. VCF-style: chr5-132387053-A-T. GRCh37 (hg19) VCF-style: chr5-131722745-A-T.
Other names: p.Ile285Phe; c.925A>T, p.Ile309Phe (NM_001308122.2); short protein forms I285F, I309F.
Identifiers: ClinVar variation 1042602 (VCV001042602.12), dbSNP rs1489260087, ClinGen allele CA360805554.